The following is an entry in ClinVar:

ClinVar aggregate classification (germline): Uncertain significance. Review status: criteria provided, multiple submitters, no conflicts (2 of 4 stars). 2 submissions from 2 submitters: Uncertain significance (2). Last evaluated 2025-11-24.

Conditions:
Inborn genetic diseases. Identifiers: MedGen C0950123, MeSH D030342.

Allele frequency attached by ClinVar (database versions not stated): ExAC 0.00003; TOPMed 0.00006; gnomAD 0.00008; 1000 Genomes Project 0.00040; 1000 Genomes Project 30x 0.00047.
gnomAD v4.1: 60 of 1,611,740 alleles (0.0037%); highest among the groups gnomAD compares: African/African-American, 0.025%; no homozygotes.

Submissions (2):

Ambry Genetics
Classification: Uncertain significance for Inborn genetic diseases. Last evaluated: 2025-11-24. Review status: criteria provided, single submitter. Criteria: Ambry Variant Classification Scheme 2023. Collection method: clinical testing. Allele origin: germline.

Labcorp Genetics (formerly Invitae), Labcorp
Classification: Uncertain significance. Last evaluated: 2023-06-14. Review status: criteria provided, single submitter. Criteria: Invitae Variant Classification Sherloc (09022015). Collection method: clinical testing. Allele origin: germline.
Comment: In summary, the available evidence is currently insufficient to determine the role of this variant in disease. Therefore, it has been classified as a Variant of Uncertain Significance. An algorithm developed to predict the effect of missense changes on protein structure and function (PolyPhen-2) suggests that this variant is likely to be tolerated. ClinVar contains an entry for this variant (Variation ID: 2419424). This variant has not been reported in the literature in individuals affected with LAMB1-related conditions. This variant is present in population databases (rs560469042, gnomAD 0.02%). This sequence change replaces glycine, which is neutral and non-polar, with arginine, which is basic and polar, at codon 1093 of the LAMB1 protein (p.Gly1093Arg).

NM_002291.3(LAMB1):c.3277G>A (p.Gly1093Arg)

Gene: LAMB1 (laminin subunit beta 1; minus strand). Cytogenetic location: 7q31.1.
Variant type: single nucleotide variant.
Coding change: c.3277G>A on transcript NM_002291.3 (MANE Select); coding-DNA position 3277, G replaced by A.
Protein change: p.Gly1093Arg; replaces glycine 1093 with arginine.
Molecular consequence: missense variant.
Genome position (GRCh38, 1-based): chr7:107,952,026, C>T on the plus strand (G>A on the coding strand, the complement: LAMB1 is on the minus strand). VCF-style: chr7-107952026-C-T. GRCh37 (hg19) VCF-style: chr7-107592471-C-T.
Other names: c.3277G>A (NM_002291.2); short protein forms G1093R.
Identifiers: ClinVar variation 2419424 (VCV002419424.8), dbSNP rs560469042, ClinGen allele CA4435393.